The following is an entry in ClinVar:

ClinVar aggregate classification (germline): Likely benign. Review status: criteria provided, multiple submitters, no conflicts (2 of 4 stars). 7 submissions from 7 submitters: Likely benign (6). 1 of the submissions does not count toward it. Last evaluated 2026-07-01.

Conditions:
ATRX-related disorder. Also called: ATRX-related condition.
Inborn genetic diseases. Identifiers: MedGen C0950123, MeSH D030342.
Alpha thalassemia-X-linked intellectual disability syndrome (ATRX). Also called: ALPHA-THALASSEMIA/MENTAL RETARDATION SYNDROME, X-LINKED; ATR, NONDELETION TYPE; X-linked alpha-thalassemia-mental retardation syndrome; ALPHA-THALASSEMIA/IMPAIRED INTELLECTUAL DEVELOPMENT SYNDROME, X-LINKED; ATR-X syndrome; Alpha thalassemia mental retardation syndrome, nondeletion type, X-linked. Identifiers: Orphanet 847, MedGen C1845055, MONDO:0010519, OMIM 301040.

Allele frequency attached by ClinVar (database versions not stated): gnomAD exomes 0.00004 and 0.00002; gnomAD 0.00006 and 0.00005; ExAC 0.00003; TOPMed 0.00005.
gnomAD v4.1: 53 of 1,208,537 alleles (0.0044%); highest among the groups gnomAD compares: East Asian, 0.056%; no homozygotes.

Submissions (7):

CeGaT Center for Human Genetics Tuebingen
Classification: Likely benign. Last evaluated: 2026-07-01. Review status: criteria provided, single submitter. Criteria: CeGaT Center For Human Genetics Tuebingen Variant Classification Criteria Version 2. Collection method: clinical testing. Allele origin: germline. Affected: yes. Observed: 1 variant allele.
Comment: ATRX: BP4, BP7, BS2

Labcorp Genetics (formerly Invitae), Labcorp
Classification: Likely benign for Alpha thalassemia-X-linked intellectual disability syndrome. Last evaluated: 2026-01-26. Review status: criteria provided, single submitter. Criteria: Invitae Variant Classification Sherloc (09022015). Collection method: clinical testing. Allele origin: germline.

Blueprint Genetics
Classification: Likely benign. Last evaluated: 2024-11-01. Review status: criteria provided, single submitter. Criteria: ACMG Guidelines, 2015. Collection method: clinical testing. Allele origin: germline.

Genetic Services Laboratory, University of Chicago
Classification: Likely benign. Last evaluated: 2021-05-24. Review status: criteria provided, single submitter. Criteria: ACMG Guidelines, 2015. Collection method: clinical testing. Allele origin: germline. Affected: no.

GeneDx
Classification: Likely benign. Last evaluated: 2021-03-23. Review status: criteria provided, single submitter. Criteria: GeneDx Variant Classification Process June 2021. Collection method: clinical testing. Allele origin: germline. Affected: yes.

Ambry Genetics
Classification: Likely benign for Inborn genetic diseases. Last evaluated: 2017-05-31. Review status: criteria provided, single submitter. Criteria: Ambry Variant Classification Scheme 2023. Collection method: clinical testing. Allele origin: germline.

PreventionGenetics, part of Exact Sciences
Classification: Likely benign for ATRX-related condition. Last evaluated: 2020-01-09. Review status: no assertion criteria provided. Collection method: clinical testing. Allele origin: germline. Not counted in ClinVar's aggregate classification.
Comment: This variant is classified as likely benign based on ACMG/AMP sequence variant interpretation guidelines (Richards et al. 2015 PMID: 25741868, with internal and published modifications).

NM_000489.6(ATRX):c.1077G>T (p.Leu359=)

Gene: ATRX (ATRX chromatin remodeler; minus strand). Cytogenetic location: Xq21.1.
Variant type: single nucleotide variant.
Coding change: c.1077G>T on transcript NM_000489.6 (MANE Select); coding-DNA position 1077, G replaced by T.
Protein change: p.Leu359=; no amino-acid change (leucine 359 retained).
Molecular consequence: synonymous variant.
Genome position (GRCh38, 1-based): chrX:77,684,179, C>A on the plus strand (G>T on the coding strand, the complement: ATRX is on the minus strand). VCF-style: chrX-77684179-C-A. GRCh37 (hg19) VCF-style: chrX-76939671-C-A.
Other names: c.963G>T, p.Leu321= (NM_138270.5).
Identifiers: ClinVar variation 465038 (VCV000465038.24), dbSNP rs782504858, ClinGen allele CA10458238.